The following is an entry in ClinVar:

ClinVar aggregate classification (germline): Uncertain significance (1 of 4 stars; one submission).

gnomAD v4.1: 1 of 1,611,268 alleles (0.000062%); highest among the groups gnomAD compares: Admixed American, 0.0017%; no homozygotes.

Submission:

Ambry Genetics
Classification: Uncertain significance. Last evaluated: 2024-08-02. Review status: criteria provided, single submitter. Criteria: Ambry Variant Classification Scheme 2023. Collection method: clinical testing. Allele origin: germline.
Comment: The p.P1512A variant (also known as c.4534C>G), located in coding exon 16 of the POLQ gene, results from a C to G substitution at nucleotide position 4534. The proline at codon 1512 is replaced by alanine, an amino acid with highly similar properties. This amino acid position is conserved. In addition, this alteration is predicted to be tolerated by in silico analysis. Based on the available evidence, the clinical significance of this variant remains unclear.

NM_199420.4(POLQ):c.4534C>G (p.Pro1512Ala)

Gene: POLQ (DNA polymerase theta; minus strand). Cytogenetic location: 3q13.33.
Variant type: single nucleotide variant.
Coding change: c.4534C>G on transcript NM_199420.4 (MANE Select); coding-DNA position 4534, C replaced by G.
Protein change: p.Pro1512Ala; replaces proline 1512 with alanine.
Molecular consequence: missense variant.
Genome position (GRCh38, 1-based): chr3:121,488,397, G>C on the plus strand (C>G on the coding strand, the complement: POLQ is on the minus strand). VCF-style: chr3-121488397-G-C. GRCh37 (hg19) VCF-style: chr3-121207244-G-C.
Other names: short protein forms P1512A.
Identifiers: ClinVar variation 3422477 (VCV003422477.1).